The following is an entry in ClinVar:

NM_014822.4(SEC24D):c.2503C>G (p.Leu835Val)

Gene: SEC24D (SEC24 homolog D, COPII component; minus strand). Cytogenetic location: 4q26.
Variant type: single nucleotide variant.
Coding change: c.2503C>G on transcript NM_014822.4 (MANE Select); coding-DNA position 2503, C replaced by G.
Protein change: p.Leu835Val; replaces leucine 835 with valine.
Molecular consequence: missense variant.
Genome position (GRCh38, 1-based): chr4:118,732,906, G>C on the plus strand (C>G on the coding strand, the complement: SEC24D is on the minus strand). VCF-style: chr4-118732906-G-C. GRCh37 (hg19) VCF-style: chr4-119654061-G-C.
Other names: c.2506C>G, p.Leu836Val (NM_001318066.2); short protein forms L836V, L835V.
Identifiers: ClinVar variation 1350210 (VCV001350210.8), dbSNP rs1725767044, ClinGen allele CA358005225.
Genomic context (GRCh38, chr4:118,732,906, plus strand): 5'-GTACACAGTTTTTCAACAAGCAATTCATGTACACTGGCAATACTTTCATGGAATCTGGTA[G>C]AATAAGCTGAAAAAGACAATTTTTTGTTTCATACGCTTGATCTTTACTGAGAACAATTCC-3'
Protein context (NP_055637.2, residues 825-845): ASPSAASQLI[Leu835Val]PDSMKVLPVY

ClinVar aggregate classification (germline): Uncertain significance (1 of 4 stars; one submission).

Submission:

Labcorp Genetics (formerly Invitae), Labcorp
Classification: Uncertain significance. Last evaluated: 2022-06-13. Review status: criteria provided, single submitter. Criteria: Invitae Variant Classification Sherloc (09022015). Collection method: clinical testing. Allele origin: germline.
Comment: This variant is not present in population databases (gnomAD no frequency). This sequence change replaces leucine, which is neutral and non-polar, with valine, which is neutral and non-polar, at codon 835 of the SEC24D protein (p.Leu835Val). This variant has not been reported in the literature in individuals affected with SEC24D-related conditions. In summary, the available evidence is currently insufficient to determine the role of this variant in disease. Therefore, it has been classified as a Variant of Uncertain Significance. Algorithms developed to predict the effect of missense changes on protein structure and function are either unavailable or do not agree on the potential impact of this missense change (SIFT: "Not Available"; PolyPhen-2: "Probably Damaging"; Align-GVGD: "Not Available").